The following is an entry in ClinVar:

ClinVar aggregate classification (germline): Uncertain significance. Review status: criteria provided, multiple submitters, no conflicts (2 of 4 stars). 3 submissions from 3 submitters: Uncertain significance (3). Last evaluated 2025-12-03.

Conditions:
Joubert syndrome. Also called: Familial aplasia of the vermis; JOUBERT-BOLTSHAUSER SYNDROME. Identifiers: Orphanet 475, MedGen C5979921, MONDO:0018772.
INPP5E-related disorder. Also called: INPP5E-related condition.

Allele frequency attached by ClinVar (database versions not stated): ExAC below 0.00001; TOPMed 0.00002; gnomAD 0.00003 and 0.00004.

Submissions (3):

PreventionGenetics, part of Exact Sciences
Classification: Uncertain significance for INPP5E-related condition. Last evaluated: 2025-12-03. Review status: criteria provided, single submitter. Criteria: ACMG Guidelines, 2015. Collection method: clinical testing. Allele origin: germline.
Comment: The INPP5E c.1036C>T variant is predicted to result in the amino acid substitution p.Arg346Trp. This variant has been reported in a cohort of patients with syndromic retinal diseases (Perea-Romero et al. 2021. PubMed ID: 34448047). This variant is reported in 0.0057% of alleles in individuals of East Asian descent in gnomAD. At this time, the clinical significance of this variant is uncertain due to the absence of conclusive functional and genetic evidence.

Women's Health and Genetics/Laboratory Corporation of America, LabCorp
Classification: Uncertain significance. Last evaluated: 2024-09-03. Review status: criteria provided, single submitter. Criteria: LabCorp Variant Classification Summary - May 2015. Collection method: clinical testing. Allele origin: germline.
Comment: Variant summary: INPP5E c.1036C>T (p.Arg346Trp) results in a non-conservative amino acid change located in the Inositol polyphosphate-related phosphatase (IPR000300) of the encoded protein sequence. Five of five in-silico tools predict a damaging effect of the variant on protein function. The variant allele was found at a frequency of 7.6e-06 in 1581678 control chromosomes (gnomAD database v4). This frequency is not significantly higher than estimated for a pathogenic variant in INPP5E causing Joubert Syndrome And Related Disorders (7.6e-06 vs 0.00079), allowing no conclusion about variant significance. c.1036C>T has been reported in the literature in individuals affected with Joubert Syndrome And Related Disorders. These report(s) do not provide unequivocal conclusions about association of the variant with Retinal disease (Perea-Romero_2021). To our knowledge, no experimental evidence demonstrating an impact on protein function has been reported. The following publication have been ascertained in the context of this evaluation (PMID: 34448047). ClinVar contains an entry for this variant (Variation ID: 1039411). Based on the evidence outlined above, the variant was classified as uncertain significance.

Labcorp Genetics (formerly Invitae), Labcorp
Classification: Uncertain significance for Joubert syndrome. Last evaluated: 2022-07-06. Review status: criteria provided, single submitter. Criteria: Invitae Variant Classification Sherloc (09022015). Collection method: clinical testing. Allele origin: germline.
Comment: This missense change has been observed in individual(s) with retinitis pigmentosa (Invitae). In summary, the available evidence is currently insufficient to determine the role of this variant in disease. Therefore, it has been classified as a Variant of Uncertain Significance. Algorithms developed to predict the effect of sequence changes on RNA splicing suggest that this variant may create or strengthen a splice site. Algorithms developed to predict the effect of missense changes on protein structure and function are either unavailable or do not agree on the potential impact of this missense change (SIFT: "Deleterious"; PolyPhen-2: "Possibly Damaging"; Align-GVGD: "Class C0"). ClinVar contains an entry for this variant (Variation ID: 1039411). The frequency data for this variant in the population databases is considered unreliable, as metrics indicate poor data quality at this position in the gnomAD database. This sequence change replaces arginine, which is basic and polar, with tryptophan, which is neutral and slightly polar, at codon 346 of the INPP5E protein (p.Arg346Trp).

Literature cited by the submitters: PubMed 34448047 (cited by Women's Health and Genetics/Laboratory Corporation of America, LabCorp).

NM_019892.6(INPP5E):c.1036C>T (p.Arg346Trp)

Gene: INPP5E (inositol polyphosphate-5-phosphatase E; minus strand). Cytogenetic location: 9q34.3.
Variant type: single nucleotide variant.
Coding change: c.1036C>T on transcript NM_019892.6 (MANE Select); coding-DNA position 1036, C replaced by T.
Protein change: p.Arg346Trp; replaces arginine 346 with tryptophan.
Molecular consequence: missense variant.
Genome position (GRCh38, 1-based): chr9:136,433,278, G>A on the plus strand (C>T on the coding strand, the complement: INPP5E is on the minus strand). VCF-style: chr9-136433278-G-A. GRCh37 (hg19) VCF-style: chr9-139327730-G-A.
Other names: c.1036C>T (NM_019892.5); c.1036C>T, p.Arg346Trp (NM_001318502.2); short protein forms R346W.
Identifiers: ClinVar variation 1039411 (VCV001039411.9), dbSNP rs767855660, ClinGen allele CA5336965.